The following is an entry in ClinVar:

NM_022089.4(ATP13A2):c.2939G>A (p.Arg980His)

Gene: ATP13A2 (ATPase cation transporting 13A2; minus strand). Cytogenetic location: 1p36.13.
Variant type: single nucleotide variant.
Coding change: c.2939G>A on transcript NM_022089.4 (MANE Select); coding-DNA position 2939, G replaced by A.
Protein change: p.Arg980His; replaces arginine 980 with histidine.
Molecular consequence: missense variant.
Genome position (GRCh38, 1-based): chr1:16,987,190, C>T on the plus strand (G>A on the coding strand, the complement: ATP13A2 is on the minus strand). VCF-style: chr1-16987190-C-T. GRCh37 (hg19) VCF-style: chr1-17313685-C-T.
Other names: c.2924G>A, p.Arg975His (NM_001141973.3); c.2807G>A, p.Arg936His (NM_001141974.3); short protein forms R936H, R975H, R980H.
Identifiers: ClinVar variation 1303171 (VCV001303171.5), dbSNP rs150748722, ClinGen allele CA18626305.
Genomic context (GRCh38, chr1:16,987,190, plus strand): 5'-GGCACGCTGAGCAGCGCCCCCGGTGGCCGCACCCGTCCCAGGACCAGCGCTGGCCCCGTG[C>T]GGCTCATGAGCACTGCCACTGTGGTGGTGATGACCAGGTCGATGGCCAGGAACTGCAGGT-3'
Protein context (NP_071372.1, residues 970-990): ITTTVAVLMS[Arg980His]TGPALVLGRV

ClinVar aggregate classification (germline): Uncertain significance. Review status: criteria provided, multiple submitters, no conflicts (2 of 4 stars). 3 submissions from 3 submitters: Uncertain significance (3). Last evaluated 2021-12-25.

Conditions:
Kufor-Rakeb syndrome (KRS). Also called: PARKINSON DISEASE 9, AUTOSOMAL RECESSIVE, JUVENILE-ONSET. Identifiers: Orphanet 306674, Orphanet 314632, MedGen C1847640, MONDO:0011706, OMIM 606693.
Autosomal recessive spastic paraplegia type 78. Identifiers: Orphanet 513436, MedGen C5567893, MONDO:0014975, OMIM 617225.

Allele frequency attached by ClinVar (database versions not stated): gnomAD 0.00001; gnomAD exomes 0.00001; TOPMed 0.00003; ESP Exome Variant Server 0.00008.
gnomAD v4.1: 23 of 1,613,606 alleles (0.0014%); highest among the groups gnomAD compares: African/African-American, 0.0053%; no homozygotes.

Submissions (3):

Labcorp Genetics (formerly Invitae), Labcorp
Classification: Uncertain significance for Kufor-Rakeb syndrome; Autosomal recessive spastic paraplegia type 78. Last evaluated: 2021-12-25. Review status: criteria provided, single submitter. Criteria: Invitae Variant Classification Sherloc (09022015). Collection method: clinical testing. Allele origin: germline.
Comment: This sequence change replaces arginine, which is basic and polar, with histidine, which is basic and polar, at codon 980 of the ATP13A2 protein (p.Arg980His). This variant is present in population databases (rs150748722, gnomAD 0.007%). This missense change has been observed in individual(s) with clinical features of ATP13A2-related conditions (PMID: 19705361). ClinVar contains an entry for this variant (Variation ID: 1303171). Advanced modeling of protein sequence and biophysical properties (such as structural, functional, and spatial information, amino acid conservation, physicochemical variation, residue mobility, and thermodynamic stability) performed at Invitae indicates that this missense variant is not expected to disrupt ATP13A2 protein function. In summary, the available evidence is currently insufficient to determine the role of this variant in disease. Therefore, it has been classified as a Variant of Uncertain Significance.

Revvity Omics, Revvity
Classification: Uncertain significance. Last evaluated: 2021-05-07. Review status: criteria provided, single submitter. Criteria: ACMG Guidelines, 2015. Collection method: clinical testing. Allele origin: germline.

GeneDx
Classification: Uncertain significance. Last evaluated: 2020-12-17. Review status: criteria provided, single submitter. Criteria: GeneDx Variant Classification Process June 2021. Collection method: clinical testing. Allele origin: germline. Affected: yes.
Comment: Reported as heterozygous in an individual with Parkinson disease in reported literature; however, a second ATP13A2 variant was not identified (Djarmati et al., 2009); In silico analysis supports that this missense variant has a deleterious effect on protein structure/function; Not observed at a significant frequency in large population cohorts (Lek et al., 2016); This variant is associated with the following publications: (PMID: 25197640, 19705361)

Literature cited by the submitters: PubMed 19705361 (cited by Labcorp Genetics (formerly Invitae), Labcorp).